The following is an entry in ClinVar:

ClinVar aggregate classification (germline): Uncertain significance (1 of 4 stars; one submission).

Submission:

GeneDx
Classification: Uncertain significance. Last evaluated: 2024-07-24. Review status: criteria provided, single submitter. Criteria: GeneDx Variant Classification Process June 2021. Collection method: clinical testing. Allele origin: germline. Affected: yes.
Comment: Not observed at significant frequency in large population cohorts (gnomAD); Has not been previously published as pathogenic or benign to our knowledge; Frameshift variant predicted to result in abnormal protein length as the last 63 amino acids are replaced with 26 different amino acids in a gene for which loss-of-function is not an established mechanism of disease

NM_020754.4(ARHGAP31):c.4144_4147del (p.Thr1382fs)

Gene: ARHGAP31 (Rho GTPase activating protein 31; plus strand). Cytogenetic location: 3q13.33.
Variant type: Deletion.
Coding change: c.4144_4147del on transcript NM_020754.4 (MANE Select); coding-DNA positions 4144 to 4147, 4 bases deleted (ACAG; older notation c.4144_4147delACAG).
Protein change: p.Thr1382fs; shifts the reading frame from threonine 1382.
Molecular consequence: frameshift variant.
Genome position (GRCh38, 1-based): chr3:119,416,073-119,416,076, ACAG deleted; deleting any 4 consecutive bases within chr3:119,416,070-119,416,076 gives the same sequence; the c. name uses the placement nearest the transcript's 3' end. VCF-style (leftmost placement, unchanged base first): chr3-119416069-CCAGA-C. GRCh37 (hg19) VCF-style: chr3-119134916-CCAGA-C.
Other names: short protein forms T1382fs.
Identifiers: ClinVar variation 3600931 (VCV003600931.1).